The following is an entry in ClinVar:

ClinVar aggregate classification (germline): Uncertain significance (1 of 4 stars; one submission).

Conditions:
Inclusion body myopathy with early-onset Paget disease with or without frontotemporal dementia 2 (IBMPFD2). Also called: MULTISYSTEM PROTEINOPATHY 2. Identifiers: MedGen C3809468, MONDO:0014178, OMIM 615422.

Allele frequency attached by ClinVar (database versions not stated): TOPMed 0.00001; gnomAD 0.00003.
gnomAD v4.1: 48 of 1,603,364 alleles (0.003%); highest among the groups gnomAD compares: Admixed American, 0.0085%; no homozygotes.

Submission:

Labcorp Genetics (formerly Invitae), Labcorp
Classification: Uncertain significance for Inclusion body myopathy with early-onset Paget disease with or without frontotemporal dementia 2. Last evaluated: 2023-08-09. Review status: criteria provided, single submitter. Criteria: Invitae Variant Classification Sherloc (09022015). Collection method: clinical testing. Allele origin: germline.
Comment: Algorithms developed to predict the effect of sequence changes on RNA splicing suggest that this variant may disrupt the consensus splice site. In summary, the available evidence is currently insufficient to determine the role of this variant in disease. Therefore, it has been classified as a Variant of Uncertain Significance. ClinVar contains an entry for this variant (Variation ID: 2188975). This variant has not been reported in the literature in individuals affected with HNRNPA2B1-related conditions. This variant is present in population databases (rs764968841, gnomAD 0.003%). This sequence change falls in intron 8 of the HNRNPA2B1 gene. It does not directly change the encoded amino acid sequence of the HNRNPA2B1 protein.

NM_002137.4(HNRNPA2B1):c.722-17G>A

Gene: HNRNPA2B1 (heterogeneous nuclear ribonucleoprotein A2/B1; minus strand). Cytogenetic location: 7p15.2.
Variant type: single nucleotide variant.
Coding change: c.722-17G>A on transcript NM_002137.4 (MANE Select); 17 bases into the intron before coding-DNA position 722, G replaced by A.
Molecular consequence: intron variant.
Genome position (GRCh38, 1-based): chr7:26,193,711, C>T on the plus strand (G>A on the coding strand, the complement: HNRNPA2B1 is on the minus strand). VCF-style: chr7-26193711-C-T. GRCh37 (hg19) VCF-style: chr7-26233331-C-T.
Other names: c.722-338G>A (NM_001438578.1, NM_001438576.1, NM_001438575.1 and 1 more transcripts); c.722-17G>A (NM_001438571.1, NM_001438572.1, NM_001438063.1); c.758-338G>A (NM_001438574.1, NM_001438573.1); c.758-17G>A (NM_001438568.1, NM_001438570.1, NM_001438569.1 and 1 more transcripts).
Identifiers: ClinVar variation 2188975 (VCV002188975.4), dbSNP rs764968841, ClinGen allele CA155909239.